The following is an entry in ClinVar:

NM_000222.3(KIT):c.1912A>G (p.Met638Val)

Gene: KIT (KIT proto-oncogene, receptor tyrosine kinase; plus strand). Cytogenetic location: 4q12.
Variant type: single nucleotide variant.
Coding change: c.1912A>G on transcript NM_000222.3 (MANE Select); coding-DNA position 1912, A replaced by G.
Protein change: p.Met638Val; replaces methionine 638 with valine.
Molecular consequence: missense variant.
Genome position (GRCh38, 1-based): chr4:54,728,043, A>G. VCF-style: chr4-54728043-A-G. GRCh37 (hg19) VCF-style: chr4-55594209-A-G.
Other names: c.1900A>G, p.Met634Val (NM_001093772.2, NM_001385286.1); c.1915A>G, p.Met639Val (NM_001385284.1, NM_001385290.1); c.1912A>G, p.Met638Val (NM_001385285.1); c.1903A>G, p.Met635Val (NM_001385288.1, NM_001385292.1); short protein forms M634V, M638V, M635V, M639V.
Identifiers: ClinVar variation 853514 (VCV000853514.10), dbSNP rs1177837541, ClinGen allele CA356908520.

ClinVar aggregate classification (germline): Uncertain significance (1 of 4 stars; one submission).

Conditions:
Gastrointestinal stromal tumor. Also called: Gastrointestinal stromal tumor, somatic; Gastrointestinal stroma tumor. Identifiers: Orphanet 44890, MedGen C0238198, MeSH D046152, MONDO:0011719, OMIM 606764, HP:0100723.

Allele frequency attached by ClinVar (database versions not stated): TOPMed below 0.00001; gnomAD 0.00001.
gnomAD v4.1: 2 of 1,613,974 alleles (0.00012%); highest among the groups gnomAD compares: Non-Finnish European, 0.000085%; no homozygotes.

Submission:

Labcorp Genetics (formerly Invitae), Labcorp
Classification: Uncertain significance for Gastrointestinal stromal tumor. Last evaluated: 2020-02-12. Review status: criteria provided, single submitter. Criteria: Invitae Variant Classification Sherloc (09022015). Collection method: clinical testing. Allele origin: germline.
Comment: This sequence change replaces methionine with valine at codon 638 of the KIT protein (p.Met638Val). The methionine residue is highly conserved and there is a small physicochemical difference between methionine and valine. This variant is not present in population databases (ExAC no frequency). This variant has not been reported in the literature in individuals with KIT-related conditions. Algorithms developed to predict the effect of missense changes on protein structure and function are either unavailable or do not agree on the potential impact of this missense change (SIFT: "Deleterious"; PolyPhen-2: "Probably Damaging"; Align-GVGD: "Class C15"). In summary, the available evidence is currently insufficient to determine the role of this variant in disease. Therefore, it has been classified as a Variant of Uncertain Significance.